The following is an entry in ClinVar:

ClinVar aggregate classification (germline): Conflicting classifications of pathogenicity. Review status: criteria provided, conflicting classifications (1 of 4 stars). 4 submissions from 4 submitters: Uncertain significance (2); Likely benign (2). Last evaluated 2025-05-28.

Conditions:
Hereditary cancer-predisposing syndrome. Also called: Tumor predisposition; Hereditary Cancer Syndrome; Neoplastic Syndromes, Hereditary; Hereditary neoplastic syndrome. Identifiers: Orphanet 140162, MedGen C0027672, MeSH D009386, MONDO:0015356.
Hereditary breast ovarian cancer syndrome. Also called: BRCA1- and BRCA2-Associated Hereditary Breast and Ovarian Cancer; Hereditary breast and ovarian cancer syndrome; Hereditary breast and ovarian cancer; Hereditary breast and ovarian cancer syndrome (HBOC); Hereditary breast and/or ovarian cancer syndrome; Breast and ovarian cancer. Identifiers: Orphanet 145, MedGen C0677776, MeSH D061325, MONDO:0003582. Disease mechanism: loss of function.

Allele frequency attached by ClinVar (database versions not stated): TOPMed below 0.00001.

Submissions (4):

Ambry Genetics
Classification: Likely benign for Hereditary cancer-predisposing syndrome. Last evaluated: 2025-05-28. Review status: criteria provided, single submitter. Criteria: Ambry Variant Classification Scheme 2023. Collection method: clinical testing. Allele origin: germline.

University of Washington Department of Laboratory Medicine, University of Washington
Classification: Likely benign for Hereditary cancer-predisposing syndrome. Last evaluated: 2023-03-23. Review status: criteria provided, single submitter. Criteria: Dines et al. (Genet Med. 2020). Collection method: curation. Allele origin: germline.
Comment: Missense variant in a coldspot region where missense variants are very unlikely to be pathogenic (PMID:31911673).

BRCA2 exon 11 coldspot. Reclassification based on statistical prior probability.

Labcorp Genetics (formerly Invitae), Labcorp
Classification: Uncertain significance for Hereditary breast ovarian cancer syndrome. Last evaluated: 2023-02-01. Review status: criteria provided, single submitter. Criteria: Invitae Variant Classification Sherloc (09022015). Collection method: clinical testing. Allele origin: germline.
Comment: This sequence change replaces lysine, which is basic and polar, with arginine, which is basic and polar, at codon 1795 of the BRCA2 protein (p.Lys1795Arg). This variant is not present in population databases (gnomAD no frequency). This variant has not been reported in the literature in individuals affected with BRCA2-related conditions. ClinVar contains an entry for this variant (Variation ID: 619811). Advanced modeling of protein sequence and biophysical properties (such as structural, functional, and spatial information, amino acid conservation, physicochemical variation, residue mobility, and thermodynamic stability) performed at Invitae indicates that this missense variant is not expected to disrupt BRCA2 protein function. In summary, the available evidence is currently insufficient to determine the role of this variant in disease. Therefore, it has been classified as a Variant of Uncertain Significance.

Quest Diagnostics Nichols Institute San Juan Capistrano
Classification: Uncertain significance. Last evaluated: 2017-09-28. Review status: criteria provided, single submitter. Criteria: Quest Diagnostics criteria. Collection method: clinical testing. Allele origin: germline.

NM_000059.4(BRCA2):c.5384A>G (p.Lys1795Arg)

Gene: BRCA2 (BRCA2 DNA repair associated; plus strand). Cytogenetic location: 13q13.1.
Variant type: single nucleotide variant.
Coding change: c.5384A>G on transcript NM_000059.4 (MANE Select); coding-DNA position 5384, A replaced by G.
Protein change: p.Lys1795Arg; replaces lysine 1795 with arginine.
Molecular consequence: missense variant.
Genome position (GRCh38, 1-based): chr13:32,339,739, A>G. VCF-style: chr13-32339739-A-G. GRCh37 (hg19) VCF-style: chr13-32913876-A-G.
Other names: short protein forms K1795R.
Identifiers: ClinVar variation 619811 (VCV000619811.10), dbSNP rs1566232357, ClinGen allele CA387785221.